The following is an entry in ClinVar:

ClinVar aggregate classification (germline): Uncertain significance (1 of 4 stars; one submission).

Conditions:
Pitt-Hopkins-like syndrome 2 (PTHSL2). Identifiers: Orphanet 221150, Orphanet 600663, MedGen C3280479, MONDO:0013690, OMIM 614325.

Submission:

Labcorp Genetics (formerly Invitae), Labcorp
Classification: Uncertain significance for Pitt-Hopkins-like syndrome 2. Last evaluated: 2019-05-07. Review status: criteria provided, single submitter. Criteria: Invitae Variant Classification Sherloc (09022015). Collection method: clinical testing. Allele origin: germline.
Comment: This sequence change replaces glycine with aspartic acid at codon 38 of the NRXN1 protein (p.Gly38Asp). The glycine residue is highly conserved and there is a moderate physicochemical difference between glycine and aspartic acid. In summary, the available evidence is currently insufficient to determine the role of this variant in disease. Therefore, it has been classified as a Variant of Uncertain Significance. Algorithms developed to predict the effect of missense changes on protein structure and function (SIFT, PolyPhen-2, Align-GVGD) all suggest that this variant is likely to be tolerated, but these predictions have not been confirmed by published functional studies and their clinical significance is uncertain. This variant has not been reported in the literature in individuals with NRXN1-related disease. While this variant is not present in population databases, the frequency information is unreliable, as metrics indicate poor data quality at this position in the ExAC database.

NM_001330078.2(NRXN1):c.113G>A (p.Gly38Asp)

Gene: NRXN1 (neurexin 1; minus strand). Cytogenetic location: 2p16.3.
Variant type: single nucleotide variant.
Coding change: c.113G>A on transcript NM_001330078.2 (MANE Select); coding-DNA position 113, G replaced by A.
Protein change: p.Gly38Asp; replaces glycine 38 with aspartic acid.
Molecular consequence: missense variant.
Genome position (GRCh38, 1-based): chr2:51,028,161, C>T on the plus strand (G>A on the coding strand, the complement: NRXN1 is on the minus strand). VCF-style: chr2-51028161-C-T. GRCh37 (hg19) VCF-style: chr2-51255299-C-T.
Other names: c.113G>A, p.Gly38Asp (NM_001135659.3, NM_001330077.2, NM_001330079.2 and 15 more transcripts); short protein forms G38D.
Identifiers: ClinVar variation 539881 (VCV000539881.10), dbSNP rs1553517468, ClinGen allele CA346824686.